The following is an entry in ClinVar:

NM_001199107.2(TBC1D24):c.179G>A (p.Arg60Gln)

Gene: TBC1D24 (TBC1 domain family member 24; plus strand). Cytogenetic location: 16p13.3.
Variant type: single nucleotide variant.
Coding change: c.179G>A on transcript NM_001199107.2 (MANE Select); coding-DNA position 179, G replaced by A.
Protein change: p.Arg60Gln; replaces arginine 60 with glutamine.
Molecular consequence: missense variant.
Genome position (GRCh38, 1-based): chr16:2,496,327, G>A. VCF-style: chr16-2496327-G-A. GRCh37 (hg19) VCF-style: chr16-2546328-G-A.
Other names: p.R60Q:CGG>CAG; c.179G>A, p.Arg60Gln (NM_020705.3); short protein forms R60Q.
Identifiers: ClinVar variation 207518 (VCV000207518.69), dbSNP rs200226466, ClinGen allele CA319074.

ClinVar aggregate classification (germline): Conflicting classifications of pathogenicity. Review status: criteria provided, conflicting classifications (1 of 4 stars). 9 submissions from 9 submitters: Uncertain significance (5); Likely benign (4). Last evaluated 2026-09-08.

Conditions:
Developmental and epileptic encephalopathy, 1 (DEE1). Also called: INFANTILE SPASM SYNDROME, X-LINKED 1; X-linked infantile spasms; West's syndrome; Tonic spasms with clustering, arrest of psychomotor development and hypsarrhythmia on EEG; X-Linked Infantile Spasm Syndrome; Epileptic encephalopathy, early infantile, 1. Identifiers: MedGen C3463992, MONDO:0010632, OMIM 308350. Disease mechanism: loss of function.
Autosomal dominant nonsyndromic hearing loss 65. Also called: Deafness, autosomal dominant 65; TBC1D24-Related Autosomal Dominant Nonsyndromic Hearing Loss (DFNA). Identifiers: Orphanet 90635, MedGen C3892048, MONDO:0014470, OMIM 616044.
TBC1D24-related disorder. Also called: TBC1D24-related disorders; TBC1D24-related condition. Identifiers: MedGen CN381194.
Inborn genetic diseases. Identifiers: MedGen C0950123, MeSH D030342.
Familial infantile myoclonic epilepsy (FIME). Also called: TBC1D24-Related Familial Infantile Myoclonic Epilepsy (FIME); Epilepsy, Myoclonic, Infantile. Identifiers: Orphanet 352582, MedGen C0917800, MONDO:0011506, OMIM 605021.

Allele frequency attached by ClinVar (database versions not stated): gnomAD 0.00031; ESP Exome Variant Server 0.00039; gnomAD exomes 0.00022; TOPMed 0.00026.
gnomAD v4.1: 361 of 1,613,610 alleles (0.022%); highest among the groups gnomAD compares: Non-Finnish European, 0.028%; no homozygotes.

Submissions (9):

Ambry Genetics
Classification: Likely benign for Inborn genetic diseases. Last evaluated: 2026-09-08. Review status: criteria provided, single submitter. Criteria: Ambry Variant Classification Scheme 2023. Collection method: clinical testing. Allele origin: germline.

PreventionGenetics, part of Exact Sciences
Classification: Uncertain significance for TBC1D24-related condition. Last evaluated: 2026-04-24. Review status: criteria provided, single submitter. Criteria: ACMG Guidelines, 2015. Collection method: clinical testing. Allele origin: germline.
Comment: The TBC1D24 c.179G>A variant is predicted to result in the amino acid substitution p.Arg60Gln. To our knowledge, this variant has not been reported in the literature. This variant is reported in 0.039% of alleles in individuals of European (Non-Finnish) descent in gnomAD. At this time, the clinical significance of this variant is uncertain due to the absence of conclusive functional and genetic evidence.

CeGaT Center for Human Genetics Tuebingen
Classification: Uncertain significance. Last evaluated: 2026-04-01. Review status: criteria provided, single submitter. Criteria: CeGaT Center For Human Genetics Tuebingen Variant Classification Criteria Version 2. Collection method: clinical testing. Allele origin: germline. Affected: yes. Observed: 9 variant alleles.
Comment: TBC1D24: PM2, BP4

Labcorp Genetics (formerly Invitae), Labcorp
Classification: Likely benign for Developmental and epileptic encephalopathy, 1; Autosomal dominant nonsyndromic hearing loss 65. Last evaluated: 2026-01-19. Review status: criteria provided, single submitter. Criteria: Invitae Variant Classification Sherloc (09022015). Collection method: clinical testing. Allele origin: germline.

Women's Health and Genetics/Laboratory Corporation of America, LabCorp
Classification: Uncertain significance. Last evaluated: 2024-11-06. Review status: criteria provided, single submitter. Criteria: LabCorp Variant Classification Summary - May 2015. Collection method: clinical testing. Allele origin: germline.
Comment: Variant summary: TBC1D24 c.179G>A (p.Arg60Gln) results in a conservative amino acid change located in the Rab-GAP-TBC domain (IPR000195) of the encoded protein sequence. Five of five in-silico tools predict a benign effect of the variant on protein function. The variant allele was found at a frequency of 0.00022 in 1613610 control chromosomes, predominantly at a frequency of 0.00028 within the Non-Finnish European subpopulation in the gnomAD database. c.179G>A has been reported in the literature in at least an individual affected with TBC1D24-Related Disorders (example: Balestrini_2016). This report, however, does not provide unequivocal conclusions about association of the variant with TBC1D24-Related Disorders. To our knowledge, no experimental evidence demonstrating an impact on protein function has been reported. The following publication has been ascertained in the context of this evaluation (PMID: 27281533). ClinVar contains an entry for this variant (Variation ID: 207518). Based on the evidence outlined above, the variant was classified as uncertain significance.

GeneDx
Classification: Likely benign. Last evaluated: 2021-01-04. Review status: criteria provided, single submitter. Criteria: GeneDx Variant Classification Process June 2021. Collection method: clinical testing. Allele origin: germline. Affected: yes.
Comment: This variant is associated with the following publications: (PMID: 27281533)

Illumina Laboratory Services, Illumina
Classification: Uncertain significance for Familial infantile myoclonic epilepsy. Last evaluated: 2017-04-27. Review status: criteria provided, single submitter. Criteria: ICSL Variant Classification Criteria 13 December 2019. Collection method: clinical testing. Allele origin: germline.

Center for Pediatric Genomic Medicine, Children's Mercy Hospital and Clinics
Classification: Uncertain significance. Last evaluated: 2016-06-27. Review status: criteria provided, single submitter. Criteria: ACMG Guidelines, 2015. Collection method: clinical testing. Allele origin: germline.
ClinVar note: Converted during submission from Uncertain Significance to Uncertain significance.

Laboratory for Molecular Medicine, Mass General Brigham Personalized Medicine
Classification: Likely benign. Last evaluated: 2015-09-17. Review status: criteria provided, single submitter. Criteria: LMM Criteria. Collection method: clinical testing. Allele origin: germline. Observed: 2 variant alleles.
Comment: p.Arg60Gln in exon 2 of TBC1D24: This variant is not expected to have clinical s ignificance due to a lack of conservation across species, including mammals. Of note, bushbaby and shrew have a glutamine (Gln) at this position despite high ne arby amino acid conservation. In addition, computational prediction tools sugges t that the p.Arg60Gln variant may not impact the protein and the variant also be en identified in 0.03% (22/65926) of European chromosomes by the Exome Aggregati on Consortium (ExAC; dbSNP rs200226466).

Literature cited by the submitters: PubMed 27281533 (cited by Women's Health and Genetics/Laboratory Corporation of America, LabCorp).